The following is an entry in ClinVar:

NM_001005373.4(LRSAM1):c.1806A>T (p.Gln602His)

Gene: LRSAM1 (leucine rich repeat and sterile alpha motif containing 1; plus strand). Cytogenetic location: 9q33.3.
Variant type: single nucleotide variant.
Coding change: c.1806A>T on transcript NM_001005373.4 (MANE Select); coding-DNA position 1806, A replaced by T.
Protein change: p.Gln602His; replaces glutamine 602 with histidine.
Molecular consequence: missense variant. On other transcripts: non-coding transcript variant (2).
Genome position (GRCh38, 1-based): chr9:127,496,071, A>T. VCF-style: chr9-127496071-A-T. GRCh37 (hg19) VCF-style: chr9-130258350-A-T.
Other names: c.1806A>T, p.Gln602His (NM_001005374.4, NM_001384142.1, NM_138361.5); c.1725A>T, p.Gln575His (NM_001190723.3); c.1707A>T, p.Gln569His (NM_001384143.1); c.1017A>T, p.Gln339His (NM_001384144.1); short protein forms Q602H, Q575H, Q339H, Q569H.
Identifiers: ClinVar variation 574818 (VCV000574818.8), dbSNP rs1462342285, ClinGen allele CA374936019.
Genomic context (GRCh38, chr9:127,496,071, plus strand): 5'-GGCTGAGCACTACCTGCCCATCTTTGCGCACCACCGCCTCTCACTGGACCTGCTGAGCCA[A>T]ATGAGCCCAGGGGACCTGGCCAAGGTGGGCAGCAGCCGTCTGCATGGAGGGGAGGGGCAC-3'
Protein context (NP_001005373.1, residues 592-612): HHRLSLDLLS[Gln602His]MSPGDLAKVG

ClinVar aggregate classification (germline): Uncertain significance (1 of 4 stars; one submission).

Conditions:
Charcot-Marie-Tooth disease axonal type 2P. Also called: Charcot-Marie-Tooth Neuropathy Type 2G; CHARCOT-MARIE-TOOTH DISEASE, AXONAL, TYPE 2G; CMT 2G; CHARCOT-MARIE-TOOTH NEUROPATHY, TYPE 2P. Identifiers: Orphanet 300319, Orphanet 99941, MedGen C3280797, MONDO:0013753, OMIM 614436.

Allele frequency attached by ClinVar (database versions not stated): gnomAD exomes below 0.00001; TOPMed below 0.00001.
gnomAD v4.1: 6 of 1,611,276 alleles (0.00037%); highest among the groups gnomAD compares: Non-Finnish European, 0.00051%; no homozygotes.

Submission:

Labcorp Genetics (formerly Invitae), Labcorp
Classification: Uncertain significance for Charcot-Marie-Tooth disease axonal type 2P. Last evaluated: 2018-02-12. Review status: criteria provided, single submitter. Criteria: Invitae Variant Classification Sherloc (09022015). Collection method: clinical testing. Allele origin: germline.
Comment: Algorithms developed to predict the effect of missense changes on protein structure and function output the following: SIFT: "Tolerated"; PolyPhen-2: "Benign"; Align-GVGD: "Class C0". The histidine amino acid residue is found in multiple mammalian species, suggesting that this missense change does not adversely affect protein function. These predictions have not been confirmed by published functional studies and their clinical significance is uncertain. In summary, the available evidence is currently insufficient to determine the role of this variant in disease. Therefore, it has been classified as a Variant of Uncertain Significance. This variant has not been reported in the literature in individuals with LRSAM1-related disease. This variant is not present in population databases (ExAC no frequency). This sequence change replaces glutamine with histidine at codon 602 of the LRSAM1 protein (p.Gln602His). The glutamine residue is weakly conserved and there is a small physicochemical difference between glutamine and histidine.